The following is an entry in ClinVar:

ClinVar aggregate classification (germline): Conflicting classifications of pathogenicity. Review status: criteria provided, conflicting classifications (1 of 4 stars). 4 submissions from 4 submitters: Uncertain significance (3); Benign (1). Last evaluated 2026-02-12.

Conditions:
Alstrom syndrome (ALMS). Identifiers: Orphanet 64, MedGen C0268425, MONDO:0008763, OMIM 203800.
Cardiovascular phenotype. Identifiers: MedGen CN230736.

Allele frequency attached by ClinVar (database versions not stated): gnomAD exomes 0.00004; ExAC 0.00006; gnomAD 0.00010 and 0.00011; TOPMed 0.00015.
gnomAD v4.1: 29 of 1,540,084 alleles (0.0019%); highest among the groups gnomAD compares: African/African-American, 0.037%; no homozygotes.

Submissions (4):

GeneDx
Classification: Uncertain significance. Last evaluated: 2026-02-12. Review status: criteria provided, single submitter. Criteria: GeneDx Variant Classification Process June 2021. Collection method: clinical testing. Allele origin: germline. Affected: yes.
Comment: In silico analysis suggests that this missense variant does not alter protein structure/function; Has not been previously published as pathogenic or benign to our knowledge

Labcorp Genetics (formerly Invitae), Labcorp
Classification: Uncertain significance for Alstrom syndrome. Last evaluated: 2022-07-18. Review status: criteria provided, single submitter. Criteria: Invitae Variant Classification Sherloc (09022015). Collection method: clinical testing. Allele origin: germline.
Comment: This sequence change replaces valine, which is neutral and non-polar, with leucine, which is neutral and non-polar, at codon 38 of the ALMS1 protein (p.Val38Leu). This variant is present in population databases (rs774784126, gnomAD 0.05%). This variant has not been reported in the literature in individuals affected with ALMS1-related conditions. ClinVar contains an entry for this variant (Variation ID: 1300306). Experimental studies and prediction algorithms are not available or were not evaluated, and the functional significance of this variant is currently unknown. In summary, the available evidence is currently insufficient to determine the role of this variant in disease. Therefore, it has been classified as a Variant of Uncertain Significance.

Fulgent Genetics
Classification: Uncertain significance for Alstrom syndrome. Last evaluated: 2021-12-01. Review status: criteria provided, single submitter. Criteria: ACMG Guidelines, 2015. Collection method: clinical testing. Allele origin: unknown.

Ambry Genetics
Classification: Benign for Cardiovascular phenotype. Last evaluated: 2021-04-01. Review status: criteria provided, single submitter. Criteria: Ambry Variant Classification Scheme 2023. Collection method: clinical testing. Allele origin: germline.

NM_001378454.1(ALMS1):c.109G>C (p.Val37Leu)

Gene: ALMS1 (ALMS1 centrosome and basal body associated protein; plus strand). Cytogenetic location: 2p13.1.
Variant type: single nucleotide variant.
Coding change: c.109G>C on transcript NM_001378454.1 (MANE Select); coding-DNA position 109, G replaced by C.
Protein change: p.Val37Leu; replaces valine 37 with leucine.
Molecular consequence: missense variant.
Genome position (GRCh38, 1-based): chr2:73,385,977, G>C. VCF-style: chr2-73385977-G-C. GRCh37 (hg19) VCF-style: chr2-73613105-G-C.
Other names: c.112G>C, p.Val38Leu (NM_015120.4); short protein forms V37L, V38L.
Identifiers: ClinVar variation 1300306 (VCV001300306.11), dbSNP rs774784126, ClinGen allele CA1712739.
Genomic context (GRCh38, chr2:73,385,977, plus strand): 5'-GAGGAGGAGGAGGAGGAGGAGGAGGAAGAGGAGGAGGCTGCAGCGGCGGCGGCGGCGAAC[G>C]TGGACGACGTAGTGGTCGTGGAGGAGGTGGAGGAAGAGGCGGGGCGGGAGTTGGACTCCG-3'
Protein context (NP_001365383.1, residues 27-47): EEAAAAAAAN[Val37Leu]DDVVVVEEVE